The following is an entry in ClinVar:

ClinVar aggregate classification (germline): Likely benign (1 of 4 stars; one submission).

Allele frequency attached by ClinVar (database versions not stated): gnomAD 0.00360 and 0.00383; TOPMed 0.00365; 1000 Genomes Project 30x 0.00406; 1000 Genomes Project 0.00379; gnomAD exomes 0.00040.

Submission:

GeneDx
Classification: Likely benign. Last evaluated: 2018-02-13. Review status: criteria provided, single submitter. Criteria: GeneDx Variant Classification (06012015). Collection method: clinical testing. Allele origin: germline. Affected: yes.
Comment: This variant is considered likely benign or benign based on one or more of the following criteria: it is a conservative change, it occurs at a poorly conserved position in the protein, it is predicted to be benign by multiple in silico algorithms, and/or has population frequency not consistent with disease.

NM_003000.2(SDHB):c.-198G>A

Gene: SDHB (succinate dehydrogenase complex iron sulfur subunit B; minus strand). Cytogenetic location: 1p36.13.
Variant type: single nucleotide variant.
Coding change: c.-198G>A on transcript NM_003000.2; 198 bases upstream of the start codon, G replaced by A.
Genome position (GRCh38, 1-based): chr1:17,054,217, C>T on the plus strand (G>A on the coding strand, the complement: SDHB is on the minus strand). VCF-style: chr1-17054217-C-T. GRCh37 (hg19) VCF-style: chr1-17380712-C-T.
Identifiers: ClinVar variation 516651 (VCV000516651.3), dbSNP rs111873017, ClinGen allele CA18612520.
Genomic context (GRCh38, chr1:17,054,217, plus strand): 5'-CCGGTTTCCCGGGTGGGCGGAGGGAAGGCGGGGCAAGCACAGCGAGCGTGCGCAATAGCG[C>T]AGTAGCGGCGCATGCCCATTTGGCTTCCCCCGTGACCTTCTCAGAAAGGGGAGGAGTCTG-3'